The following is an entry in ClinVar:

ClinVar aggregate classification (germline): Uncertain significance. Review status: criteria provided, multiple submitters, no conflicts (2 of 4 stars). 2 submissions from 2 submitters: Uncertain significance (2). Last evaluated 2025-12-22.

Conditions:
Cone-rod dystrophy 6 (CORD6). Also called: RETINAL CONE DYSTROPHY 2; Cone dystrophy progressive. Identifiers: Orphanet 1872, MedGen C1866293, MONDO:0011143, OMIM 601777.
Leber congenital amaurosis 1 (LCA1). Also called: Congenital absence of the rods and cones; Leber's congenital tapetoretinal degeneration; Leber's congenital tapetoretinal dysplasia; RETINAL BLINDNESS, CONGENITAL; AMAUROSIS CONGENITA OF LEBER I. Identifiers: Orphanet 65, MedGen C2931258, MONDO:0008764, OMIM 204000.

Allele frequency attached by ClinVar (database versions not stated): gnomAD exomes 0.00002; ExAC 0.00004; gnomAD 0.00007 and 0.00009; TOPMed 0.00007; ESP Exome Variant Server 0.00008.
gnomAD v4.1: 23 of 1,565,990 alleles (0.0015%); highest among the groups gnomAD compares: African/African-American, 0.027%; no homozygotes.

Submissions (2):

Labcorp Genetics (formerly Invitae), Labcorp
Classification: Uncertain significance for Leber congenital amaurosis 1; Cone-rod dystrophy 6. Last evaluated: 2025-12-22. Review status: criteria provided, single submitter. Criteria: Invitae Variant Classification Sherloc (09022015). Collection method: clinical testing. Allele origin: germline.
Comment: This sequence change replaces proline, which is neutral and non-polar, with serine, which is neutral and polar, at codon 1074 of the GUCY2D protein (p.Pro1074Ser). The frequency data for this variant in the population databases is considered unreliable, as metrics indicate poor data quality at this position in the gnomAD database. This variant has not been reported in the literature in individuals affected with GUCY2D-related conditions. ClinVar contains an entry for this variant (Variation ID: 1042711). Invitae Evidence Modeling of protein sequence and biophysical properties (such as structural, functional, and spatial information, amino acid conservation, physicochemical variation, residue mobility, and thermodynamic stability) indicates that this missense variant is not expected to disrupt GUCY2D protein function with a negative predictive value of 80%. In summary, the available evidence is currently insufficient to determine the role of this variant in disease. Therefore, it has been classified as a Variant of Uncertain Significance.

Blueprint Genetics
Classification: Uncertain significance. Last evaluated: 2022-11-02. Review status: criteria provided, single submitter. Criteria: ACMG Guidelines, 2015. Collection method: clinical testing. Allele origin: germline.

NM_000180.4(GUCY2D):c.3220C>T (p.Pro1074Ser)

Gene: GUCY2D (guanylate cyclase 2D, retinal; plus strand). Cytogenetic location: 17p13.1.
Variant type: single nucleotide variant.
Coding change: c.3220C>T on transcript NM_000180.4 (MANE Select); coding-DNA position 3220, C replaced by T.
Protein change: p.Pro1074Ser; replaces proline 1074 with serine.
Molecular consequence: missense variant.
Genome position (GRCh38, 1-based): chr17:8,016,286, C>T. VCF-style: chr17-8016286-C-T. GRCh37 (hg19) VCF-style: chr17-7919604-C-T.
Other names: short protein forms P1074S.
Identifiers: ClinVar variation 1042711 (VCV001042711.6), dbSNP rs138869083, ClinGen allele CA8366341.